The following is an entry in ClinVar:

NM_001040151.2(SCN3B):c.392A>G (p.His131Arg)

Gene: SCN3B (sodium voltage-gated channel beta subunit 3; minus strand). Cytogenetic location: 11q24.1.
Variant type: single nucleotide variant.
Coding change: c.392A>G on transcript NM_001040151.2 (MANE Select); coding-DNA position 392, A replaced by G.
Protein change: p.His131Arg; replaces histidine 131 with arginine.
Molecular consequence: missense variant.
Genome position (GRCh38, 1-based): chr11:123,642,499, T>C on the plus strand (A>G on the coding strand, the complement: SCN3B is on the minus strand). VCF-style: chr11-123642499-T-C. GRCh37 (hg19) VCF-style: chr11-123513207-T-C.
Other names: c.392A>G, p.His131Arg (NM_018400.4); short protein forms H131R.
Identifiers: ClinVar variation 1474456 (VCV001474456.6), dbSNP rs1457138925, ClinGen allele CA383071352.

ClinVar aggregate classification (germline): Uncertain significance (1 of 4 stars; one submission).

Conditions:
Brugada syndrome 7 (BRGDA7). Identifiers: Orphanet 130, MedGen C2751088, MONDO:0013146, OMIM 613120.

Allele frequency attached by ClinVar (database versions not stated): gnomAD exomes below 0.00001; gnomAD 0.00001.
gnomAD v4.1: 3 of 1,614,018 alleles (0.00019%); no homozygotes.

Submission:

Labcorp Genetics (formerly Invitae), Labcorp
Classification: Uncertain significance for Brugada syndrome 7. Last evaluated: 2021-08-12. Review status: criteria provided, single submitter. Criteria: Invitae Variant Classification Sherloc (09022015). Collection method: clinical testing. Allele origin: germline.
Comment: This sequence change replaces histidine with arginine at codon 131 of the SCN3B protein (p.His131Arg). The histidine residue is highly conserved and there is a small physicochemical difference between histidine and arginine. This variant is not present in population databases (ExAC no frequency). This variant has not been reported in the literature in individuals affected with SCN3B-related conditions. Algorithms developed to predict the effect of missense changes on protein structure and function are either unavailable or do not agree on the potential impact of this missense change (SIFT: "Tolerated"; PolyPhen-2: "Possibly Damaging"; Align-GVGD: "Class C0"). In summary, the available evidence is currently insufficient to determine the role of this variant in disease. Therefore, it has been classified as a Variant of Uncertain Significance.